The following is an entry in ClinVar:

NM_004004.6(GJB2):c.-15C>T

Gene: GJB2 (gap junction protein beta 2; minus strand). Cytogenetic location: 13q12.11.
Variant type: single nucleotide variant.
Coding change: c.-15C>T on transcript NM_004004.6 (MANE Select); 15 bases upstream of the start codon, C replaced by T.
Molecular consequence: 5 prime UTR variant.
Genome position (GRCh38, 1-based): chr13:20,189,596, G>A on the plus strand (C>T on the coding strand, the complement: GJB2 is on the minus strand). VCF-style: chr13-20189596-G-A. GRCh37 (hg19) VCF-style: chr13-20763735-G-A.
Identifiers: ClinVar variation 94388 (VCV000094388.35), dbSNP rs72561725, ClinGen allele CA147793.

ClinVar aggregate classification (germline): Benign/Likely benign. Review status: criteria provided, multiple submitters, no conflicts (2 of 4 stars). 14 submissions from 12 submitters: Benign (11); Likely benign (2). 1 of the submissions does not count toward it. Last evaluated 2024-11-27.

Conditions:
Nonsyndromic genetic hearing loss. Also called: Non-syndromic genetic deafness; Nonsyndromic hearing loss and deafness; Nonsyndromic genetic deafness. Identifiers: Orphanet 87884, MedGen C5680182, MONDO:0019497.
Ichthyosis, hystrix-like, with hearing loss. Also called: Hystrix-like ichthyosis with deafness. Identifiers: Orphanet 477, MedGen C1865234, MONDO:0011245.
Autosomal recessive nonsyndromic hearing loss 1A (DFNB1A). Also called: GJB6-Related DFNB 1 Nonsyndromic Hearing Loss and Deafness; Deafness, autosomal recessive 1A; Connexin 26 deafness; Deafness nonsyndromic, Connexin 26 linked; GJB2-Related Autosomal Recessive Nonsyndromic Hearing Loss; Nonsyndromic Hearing Loss and Deafness, DFNB1. Identifiers: Orphanet 90636, MedGen C2673759, MONDO:0009076, OMIM 220290.
Autosomal dominant nonsyndromic hearing loss 3A. Identifiers: Orphanet 90635, MedGen C2675750, MONDO:0011103, OMIM 601544.

Allele frequency attached by ClinVar (database versions not stated): ExAC 0.00473; gnomAD exomes 0.00149 and 0.00383; gnomAD 0.01486 and 0.01589; TOPMed 0.01714; 1000 Genomes Project 0.01717; ESP Exome Variant Server 0.01753; 1000 Genomes Project 30x 0.01889.

Submissions (14):

Blueprint Genetics
Classification: Benign. Last evaluated: 2024-11-27. Review status: criteria provided, single submitter. Criteria: ACMG Guidelines, 2015. Collection method: clinical testing. Allele origin: germline.

Labcorp Genetics (formerly Invitae), Labcorp
Classification: Benign. Last evaluated: 2024-04-01. Review status: criteria provided, single submitter. Criteria: Invitae Variant Classification Sherloc (09022015). Collection method: clinical testing. Allele origin: germline.

Athena Diagnostics
Classification: Benign. Last evaluated: 2023-12-18. Review status: criteria provided, single submitter. Criteria: Athena Diagnostics Criteria. Collection method: clinical testing. Allele origin: unknown.

ARUP Laboratories, Molecular Genetics and Genomics, ARUP Laboratories
Classification: Benign. Last evaluated: 2021-11-14. Review status: criteria provided, single submitter. Criteria: ARUP Molecular Germline Variant Investigation Process 2021. Collection method: clinical testing. Allele origin: germline.

INGEBI, INGEBI / CONICET
Classification: Benign for Nonsyndromic hearing loss and deafness. Last evaluated: 2020-08-31. Review status: criteria provided, single submitter. Criteria: ClinGen HL ACMG Specifications v1. Collection method: clinical testing. Allele origin: germline. Inheritance: Autosomal recessive inheritance. Affected: yes. Observed: 1 variant allele.
Comment: Based on ACMG/AMP guidelines and Hearing Loss Expert Panel specific criteria: the filtering allele frequency of the c.-15C>T variant in GJB2 gene is 4,86% (1271/24918 African chromosomes with 95%CI) from Genome Aggregation Database (calculated by using inverse allele frequency at an online resource). This is a high enough frequency, based on the thresholds defined by the ClinGen Hearing Loss Expert Panel, for autosomal recessive hearing loss variants to apply for BA1 rule. This variant is frequent (above 6%) in controls subjects from different African populations (PS4 not met, PMID: 27501294, 21392827) Benign computational verdict prediction from DANN and CADD predictors and no conservation between species (GERPscore:-5.08) applying to BP4 rule. In summary, this variant meets criteria to be classified as benign for non-syndromic hearing loss (BA1, BP4).

GeneDx
Classification: Benign. Last evaluated: 2018-02-05. Review status: criteria provided, single submitter. Criteria: GeneDx Variant Classification (06012015). Collection method: clinical testing. Allele origin: germline. Affected: yes.
Comment: This variant is considered likely benign or benign based on one or more of the following criteria: it is a conservative change, it occurs at a poorly conserved position in the protein, it is predicted to be benign by multiple in silico algorithms, and/or has population frequency not consistent with disease.

Illumina Laboratory Services, Illumina
Classification: Likely benign for Autosomal recessive nonsyndromic hearing loss 1A. Last evaluated: 2018-01-12. Review status: criteria provided, single submitter. Criteria: ICSL Variant Classification Criteria 13 December 2019. Collection method: clinical testing. Allele origin: germline.
Comment: This variant was observed in the ICSL laboratory as part of a predisposition screen in an ostensibly healthy population. It had not been previously curated by ICSL or reported in the Human Gene Mutation Database (HGMD: prior to June 1st, 2018), and was therefore a candidate for classification through an automated scoring system. Utilizing variant allele frequency, disease prevalence and penetrance estimates, and inheritance mode, an automated score was calculated to assess if this variant is too frequent to cause the disease. Based on the score and internal cut-off values, a variant classified as likely benign is not then subjected to further curation. The score for this variant resulted in a classification of likely benign for this disease.

Illumina Laboratory Services, Illumina
Classification: Benign for Autosomal dominant keratitis-ichthyosis-hearing loss syndrome. Last evaluated: 2018-01-12. Review status: criteria provided, single submitter. Criteria: ICSL Variant Classification Criteria 13 December 2019. Collection method: clinical testing. Allele origin: germline.
Comment: This variant was observed in the ICSL laboratory as part of a predisposition screen in an ostensibly healthy population. It had not been previously curated by ICSL or reported in the Human Gene Mutation Database (HGMD: prior to June 1st, 2018), and was therefore a candidate for classification through an automated scoring system. Utilizing variant allele frequency, disease prevalence and penetrance estimates, and inheritance mode, an automated score was calculated to assess if this variant is too frequent to cause the disease. Based on the score and internal cut-off values, a variant classified as benign is not then subjected to further curation. The score for this variant resulted in a classification of benign for this disease.

Illumina Laboratory Services, Illumina
Classification: Benign for Autosomal dominant nonsyndromic hearing loss 3A. Last evaluated: 2018-01-12. Review status: criteria provided, single submitter. Criteria: ICSL Variant Classification Criteria 13 December 2019. Collection method: clinical testing. Allele origin: germline.
Comment: the same text as in the submission from Illumina Laboratory Services, Illumina above.

Laboratory for Molecular Medicine, Mass General Brigham Personalized Medicine
Classification: Benign. Last evaluated: 2013-06-14. Review status: criteria provided, single submitter. Criteria: LMM Criteria. Collection method: clinical testing. Allele origin: germline. Observed: 21 variant alleles.
Comment: -15C>T in Exon 02 of GJB2: This variant is not expected to have clinical signifi cance because it has been identified in 5.2% (228/4406) of African American chro mosomes from a broad population by the NHLBI Exome Sequencing Project

Eurofins Ntd Llc (ga)
Classification: Benign. Last evaluated: 2012-12-07. Review status: criteria provided, single submitter. Criteria: EGL Classification Definitions 2015. Collection method: clinical testing. Allele origin: germline. Observed: 20 variant alleles, 20 heterozygotes.

Breakthrough Genomics
Classification: Likely benign. Review status: criteria provided, single submitter. Criteria: ACMG Guidelines, 2015. Collection method: not provided. Allele origin: germline. Inheritance: Autosomal recessive inheritance. Affected: yes.

PreventionGenetics, part of Exact Sciences
Classification: Benign. Review status: criteria provided, single submitter. Criteria: ACMG Guidelines, 2015. Collection method: clinical testing. Allele origin: germline.

Natera, Inc.
Classification: Benign for Autosomal recessive deafness type 1A. Last evaluated: 2020-09-16. Review status: no assertion criteria provided. Collection method: clinical testing. Allele origin: germline. Not counted in ClinVar's aggregate classification.

Literature cited by the submitters: PubMed 25401782 (cited by Athena Diagnostics); PubMed 26778469 (cited by Athena Diagnostics); PubMed 14722929 (cited by Athena Diagnostics); PubMed 19125024 (cited by Athena Diagnostics); PubMed 21392827 (cited by Athena Diagnostics and INGEBI, INGEBI / CONICET); PubMed 25162826 (cited by Athena Diagnostics); PubMed 27501294 (cited by Athena Diagnostics and INGEBI, INGEBI / CONICET); PubMed 17357124 (cited by Athena Diagnostics); PubMed 20381175 (cited by Athena Diagnostics); PubMed 17041943 (cited by Athena Diagnostics); PubMed 24706568 (cited by Athena Diagnostics); PubMed 26409293 (cited by Athena Diagnostics); PubMed 19081147 (cited by Athena Diagnostics); PubMed 23684175 (cited by Athena Diagnostics); PubMed 24596593 (cited by Athena Diagnostics).